The following is an entry in ClinVar:

NM_001101362.3(KBTBD13):c.367C>T (p.His123Tyr)

Gene: KBTBD13 (kelch repeat and BTB domain containing 13; plus strand). Cytogenetic location: 15q22.31.
Variant type: single nucleotide variant.
Coding change: c.367C>T on transcript NM_001101362.3 (MANE Select); coding-DNA position 367, C replaced by T.
Protein change: p.His123Tyr; replaces histidine 123 with tyrosine.
Molecular consequence: missense variant.
Genome position (GRCh38, 1-based): chr15:65,077,182, C>T. VCF-style: chr15-65077182-C-T. GRCh37 (hg19) VCF-style: chr15-65369520-C-T.
Other names: short protein forms H123Y.
Identifiers: ClinVar variation 1426030 (VCV001426030.8), dbSNP rs1013537691, ClinGen allele CA271503486.

ClinVar aggregate classification (germline): Uncertain significance (1 of 4 stars; one submission).

Conditions:
Nemaline myopathy 6 (NEM6). Also called: Nemaline myopathy 6, autosomal dominant. Identifiers: Orphanet 171439, MedGen C1836472, MONDO:0012237, OMIM 609273.

Allele frequency attached by ClinVar (database versions not stated): gnomAD exomes below 0.00001; gnomAD 0.00001; TOPMed 0.00001.

Submission:

Labcorp Genetics (formerly Invitae), Labcorp
Classification: Uncertain significance for Nemaline myopathy 6. Last evaluated: 2022-06-27. Review status: criteria provided, single submitter. Criteria: Invitae Variant Classification Sherloc (09022015). Collection method: clinical testing. Allele origin: germline.
Comment: This sequence change replaces histidine, which is basic and polar, with tyrosine, which is neutral and polar, at codon 123 of the KBTBD13 protein (p.His123Tyr). This variant is present in population databases (no rsID available, gnomAD 0.01%). This variant has not been reported in the literature in individuals affected with KBTBD13-related conditions. Algorithms developed to predict the effect of missense changes on protein structure and function are either unavailable or do not agree on the potential impact of this missense change (SIFT: "Deleterious"; PolyPhen-2: "Possibly Damaging"; Align-GVGD: "Class C0"). In summary, the available evidence is currently insufficient to determine the role of this variant in disease. Therefore, it has been classified as a Variant of Uncertain Significance.